The following is an entry in ClinVar:

ClinVar aggregate classification (germline): Likely pathogenic (1 of 4 stars; one submission).

Conditions:
Wilms tumor 1 (WT1). Also called: Wilms tumor, somatic. Identifiers: Orphanet 654, MedGen CN033288, MONDO:0008679, OMIM 194070.
Frasier syndrome. Identifiers: Orphanet 347, MedGen C0950122, MeSH D052159, MONDO:0007635, OMIM 136680.
Drash syndrome (DDS). Also called: NEPHROPATHY, WILMS TUMOR, AND GENITAL ANOMALIES; WILMS TUMOR AND PSEUDO- OR TRUE HERMAPHRODITISM. Identifiers: Orphanet 220, MedGen C0950121, MONDO:0008682, OMIM 194080.
11p partial monosomy syndrome (WAGR). Also called: CHROMOSOME 11p13 DELETION SYNDROME; WAGR syndrome; WAGR Complex; WAGR Spectrum Disorder. Identifiers: Orphanet 893, MedGen C0206115, MONDO:0008681, OMIM 194072.

Submission:

Labcorp Genetics (formerly Invitae), Labcorp
Classification: Likely pathogenic for Wilms tumor 1; Drash syndrome; 11p partial monosomy syndrome; Frasier syndrome. Last evaluated: 2025-11-08. Review status: criteria provided, single submitter. Criteria: Invitae Variant Classification Sherloc (09022015). Collection method: clinical testing. Allele origin: germline.
Comment: This sequence change replaces glycine, which is neutral and non-polar, with cysteine, which is neutral and slightly polar, at codon 166 of the WT1 protein (p.Gly166Cys). This variant is not present in population databases (gnomAD no frequency). This variant has not been reported in the literature in individuals affected with WT1-related conditions. Invitae Evidence Modeling of protein sequence and biophysical properties (such as structural, functional, and spatial information, amino acid conservation, physicochemical variation, residue mobility, and thermodynamic stability) indicates that this missense variant is expected to disrupt WT1 protein function with a positive predictive value of 95%. This variant disrupts the p.Gly166 amino acid residue in WT1. Other variant(s) that disrupt this residue have been determined to be pathogenic (internal data). This suggests that this residue is clinically significant, and that variants that disrupt this residue are likely to be disease-causing. In summary, the currently available evidence indicates that the variant is pathogenic, but additional data are needed to prove that conclusively. Therefore, this variant has been classified as Likely Pathogenic.

NM_024426.6(WT1):c.511G>T (p.Gly171Cys)

Genes: WT1 (WT1 transcription factor; minus strand), LOC107982234 (WT1/WT1-AS bi-directional promoter region; plus strand). Cytogenetic location: 11p13.
Variant type: single nucleotide variant.
Coding change: c.511G>T on transcript NM_024426.6 (MANE Select); coding-DNA position 511, G replaced by T.
Protein change: p.Gly171Cys; replaces glycine 171 with cysteine.
Molecular consequence: missense variant. On other transcripts: non-coding transcript variant (2).
Genome position (GRCh38, 1-based): chr11:32,434,850, C>A on the plus strand (G>T on the coding strand, the complement: WT1 is on the minus strand). VCF-style: chr11-32434850-C-A. GRCh37 (hg19) VCF-style: chr11-32456396-C-A.
Other names: c.511G>T, p.Gly171Cys (NM_000378.6, NM_001407044.1, NM_001407045.1 and 6 more transcripts); c.292G>T, p.Gly98Cys (NM_001429031.1, NM_001429032.1, NM_001429033.1 and 1 more transcripts); short protein forms G166C, G171C, G98C.
Identifiers: ClinVar variation 4790421 (VCV004790421.1).